The following is an entry in ClinVar:

NM_172107.4(KCNQ2):c.1478G>A (p.Arg493His)

Gene: KCNQ2 (potassium voltage-gated channel subfamily Q member 2; minus strand). Cytogenetic location: 20q13.33.
Variant type: single nucleotide variant.
Coding change: c.1478G>A on transcript NM_172107.4 (MANE Select); coding-DNA position 1478, G replaced by A.
Protein change: p.Arg493His; replaces arginine 493 with histidine.
Molecular consequence: missense variant.
Genome position (GRCh38, 1-based): chr20:63,414,950, C>T on the plus strand (G>A on the coding strand, the complement: KCNQ2 is on the minus strand). VCF-style: chr20-63414950-C-T. GRCh37 (hg19) VCF-style: chr20-62046303-C-T.
Other names: c.1424G>A, p.Arg475His (NM_001382235.1, NM_172106.3); c.1394G>A, p.Arg465His (NM_004518.6); c.1388G>A, p.Arg463His (NM_172108.5); short protein forms R463H, R465H, R475H, R493H.
Identifiers: ClinVar variation 3373553 (VCV003373553.2).
Genomic context (GRCh38, chr20:63,414,950, plus strand): 5'-CGGCCACACCCACCTTCTGAGTTCTGCCGTGACGCGGCACCCTTGATGCGGAAAGCCTGG[C>T]GTGCCCGGCTGCGGTCCCCGAAGCTCCAGCTCTTGGGCACCTTGCTGGGGCTGTCCTCGA-3'
Protein context (NP_742105.1, residues 483-503): SWSFGDRSRA[Arg493His]QAFRIKGAAS

ClinVar aggregate classification (germline): Uncertain significance (1 of 4 stars; one submission).

gnomAD v4.1: 4 of 1,612,580 alleles (0.00025%); highest among the groups gnomAD compares: African/African-American, 0.0027%; no homozygotes.

Submission:

GeneDx
Classification: Uncertain significance. Last evaluated: 2025-07-15. Review status: criteria provided, single submitter. Criteria: GeneDx Variant Classification Process June 2021. Collection method: clinical testing. Allele origin: germline. Affected: yes.
Comment: In silico analysis supports that this missense variant has a deleterious effect on protein structure/function; Has not been previously published as pathogenic or benign to our knowledge; This substitution is predicted to be within the C-terminal cytoplasmic domain; This variant is associated with the following publications: (PMID: 32276107)